The following is an entry in ClinVar:

NM_005515.4(MNX1):c.871A>C (p.Asn291His)

Gene: MNX1 (motor neuron and pancreas homeobox 1; minus strand). Cytogenetic location: 7q36.3.
Variant type: single nucleotide variant.
Coding change: c.871A>C on transcript NM_005515.4 (MANE Select); coding-DNA position 871, A replaced by C.
Protein change: p.Asn291His; replaces asparagine 291 with histidine.
Molecular consequence: missense variant.
Genome position (GRCh38, 1-based): chr7:157,005,855, T>G on the plus strand (A>C on the coding strand, the complement: MNX1 is on the minus strand). VCF-style: chr7-157005855-T-G. GRCh37 (hg19) VCF-style: chr7-156798549-T-G.
Other names: c.235A>C, p.Asn79His (NM_001165255.2); short protein forms N291H, N79H.
Identifiers: ClinVar variation 1996355 (VCV001996355.4), dbSNP rs2537772433, ClinGen allele CA370162212.

ClinVar aggregate classification (germline): Uncertain significance (1 of 4 stars; one submission).

Submission:

Labcorp Genetics (formerly Invitae), Labcorp
Classification: Uncertain significance. Last evaluated: 2023-10-05. Review status: criteria provided, single submitter. Criteria: Invitae Variant Classification Sherloc (09022015). Collection method: clinical testing. Allele origin: germline.
Comment: This sequence change replaces asparagine, which is neutral and polar, with histidine, which is basic and polar, at codon 291 of the MNX1 protein (p.Asn291His). This variant is not present in population databases (gnomAD no frequency). This missense change has been observed in individual(s) with clinical features of Currarino syndrome (Invitae). ClinVar contains an entry for this variant (Variation ID: 1996355). Advanced modeling of protein sequence and biophysical properties (such as structural, functional, and spatial information, amino acid conservation, physicochemical variation, residue mobility, and thermodynamic stability) performed at Invitae indicates that this missense variant is expected to disrupt MNX1 protein function. In summary, the available evidence is currently insufficient to determine the role of this variant in disease. Therefore, it has been classified as a Variant of Uncertain Significance.